The following is an entry in ClinVar:

ClinVar aggregate classification (germline): Pathogenic (1 of 4 stars; one submission).

Conditions:
Multiple congenital exostosis (EXT). Also called: Hereditary multiple exostoses; Hereditary multiple exostosis; Multiple osteochondromas; MULTIPLE CARTILAGINOUS EXOSTOSES; Multiple exostoses; Hereditary multiple osteochondromas. Identifiers: Orphanet 321, MedGen C0015306, MONDO:0005508, HP:0002762.

Submission:

Labcorp Genetics (formerly Invitae), Labcorp
Classification: Pathogenic for Multiple congenital exostosis. Last evaluated: 2023-01-01. Review status: criteria provided, single submitter. Criteria: Invitae Variant Classification Sherloc (09022015). Collection method: clinical testing. Allele origin: germline.
Comment: This variant has not been reported in the literature in individuals affected with EXT1-related conditions. For these reasons, this variant has been classified as Pathogenic. This variant is not present in population databases (gnomAD no frequency). This sequence change creates a premature translational stop signal (p.Val561Hisfs*9) in the EXT1 gene. It is expected to result in an absent or disrupted protein product. Loss-of-function variants in EXT1 are known to be pathogenic (PMID: 10679937, 11391482, 19810120).

Literature cited by the submitters: PubMed 10679937; PubMed 11391482; PubMed 19810120.

NM_000127.3(EXT1):c.1668_1680dup (p.Val561fs)

Gene: EXT1 (exostosin glycosyltransferase 1; minus strand). Cytogenetic location: 8q24.11.
Variant type: Duplication.
Coding change: c.1668_1680dup on transcript NM_000127.3 (MANE Select); coding-DNA positions 1668 to 1680, 13 bases duplicated (CATCACAGACGCC).
Protein change: p.Val561fs; shifts the reading frame from valine 561.
Molecular consequence: frameshift variant.
Genome position (GRCh38, 1-based): chr8:117,812,914-117,812,926, GGCGTCTGTGATG duplicated on the plus strand (CATCACAGACGCC on the coding strand, the reverse complement: EXT1 is on the minus strand). VCF-style (leftmost placement, unchanged base first): chr8-117812913-C-CGGCGTCTGTGATG. GRCh37 (hg19) VCF-style: chr8-118825152-C-CGGCGTCTGTGATG.
Other names: short protein forms V561fs.
Identifiers: ClinVar variation 2815261 (VCV002815261.3), dbSNP rs2488096615, ClinGen allele CA2739268958.